The following is an entry in ClinVar:

ClinVar aggregate classification (germline): Benign/Likely benign. Review status: criteria provided, multiple submitters, no conflicts (2 of 4 stars). 3 submissions from 3 submitters: Benign (1); Likely benign (2). Last evaluated 2025-10-01.

Conditions:
Hyperlipidemia due to hepatic triglyceride lipase deficiency. Also called: LIPC DEFICIENCY. Identifiers: Orphanet 140905, MedGen C3151466, MONDO:0013533, OMIM 614025.

Allele frequency attached by ClinVar (database versions not stated): gnomAD exomes 0.00061; ExAC 0.00091; TOPMed 0.00258; gnomAD 0.00274 and 0.00282; ESP Exome Variant Server 0.00278; 1000 Genomes Project 30x 0.00453; 1000 Genomes Project 0.00479.
gnomAD v4.1: 758 of 1,614,054 alleles (0.047%); highest among the groups gnomAD compares: African/African-American, 0.89%; 4 homozygotes.

Submissions (3):

Labcorp Genetics (formerly Invitae), Labcorp
Classification: Benign. Last evaluated: 2025-10-01. Review status: criteria provided, single submitter. Criteria: Invitae Variant Classification Sherloc (09022015). Collection method: clinical testing. Allele origin: germline.

GeneDx
Classification: Likely benign. Last evaluated: 2020-03-04. Review status: criteria provided, single submitter. Criteria: GeneDx Variant Classification Process June 2021. Collection method: clinical testing. Allele origin: germline. Affected: yes.

Illumina Laboratory Services, Illumina
Classification: Likely benign for Hyperlipidemia due to hepatic triglyceride lipase deficiency. Last evaluated: 2018-01-12. Review status: criteria provided, single submitter. Criteria: ICSL Variant Classification Criteria 13 December 2019. Collection method: clinical testing. Allele origin: germline.
Comment: This variant was observed in the ICSL laboratory as part of a predisposition screen in an ostensibly healthy population. It had not been previously curated by ICSL or reported in the Human Gene Mutation Database (HGMD: prior to June 1st, 2018), and was therefore a candidate for classification through an automated scoring system. Utilizing variant allele frequency, disease prevalence and penetrance estimates, and inheritance mode, an automated score was calculated to assess if this variant is too frequent to cause the disease. Based on the score and internal cut-off values, a variant classified as likely benign is not then subjected to further curation. The score for this variant resulted in a classification of likely benign for this disease.

NM_000236.3(LIPC):c.1233C>T (p.Gly411=)

Gene: LIPC (lipase C, hepatic type; plus strand). Cytogenetic location: 15q21.3.
Variant type: single nucleotide variant.
Coding change: c.1233C>T on transcript NM_000236.3 (MANE Select); coding-DNA position 1233, C replaced by T.
Protein change: p.Gly411=; no amino-acid change (glycine 411 retained).
Molecular consequence: synonymous variant.
Genome position (GRCh38, 1-based): chr15:58,563,568, C>T. VCF-style: chr15-58563568-C-T. GRCh37 (hg19) VCF-style: chr15-58855767-C-T.
Identifiers: ClinVar variation 316678 (VCV000316678.15), dbSNP rs79985029, ClinGen allele CA7585175.